The following is an entry in ClinVar:

ClinVar aggregate classification (germline): Uncertain significance. Review status: criteria provided, multiple submitters, no conflicts (2 of 4 stars). 4 submissions from 4 submitters: Uncertain significance (4). Last evaluated 2026-05-26.

Conditions:
Donnai-Barrow syndrome. Also called: DBS/FOAR SYNDROME; FACIOOCULOACOUSTICORENAL SYNDROME. Identifiers: Orphanet 2143, MedGen C1857277, MONDO:0009104, OMIM 222448.
Inborn genetic diseases. Identifiers: MedGen C0950123, MeSH D030342.

Allele frequency attached by ClinVar (database versions not stated): ExAC 0.00001; gnomAD exomes 0.00001; TOPMed 0.00001.
gnomAD v4.1: 4 of 1,614,140 alleles (0.00025%); highest among the groups gnomAD compares: East Asian, 0.0045%; no homozygotes.

Submissions (4):

Ambry Genetics
Classification: Uncertain significance for Inborn genetic diseases. Last evaluated: 2026-05-26. Review status: criteria provided, single submitter. Criteria: Ambry Variant Classification Scheme 2023. Collection method: clinical testing. Allele origin: germline.
Comment: The c.13366C>T (p.P4456S) alteration is located in exon 74 (coding exon 74) of the LRP2 gene. This alteration results from a C to T substitution at nucleotide position 13366, causing the proline (P) at amino acid position 4456 to be replaced by a serine (S). Based on data from gnomAD, the T allele has an overall frequency of 0.001% (2/250778) total alleles studied. The highest observed frequency was 0.005% (1/18384) of East Asian alleles. Based on insufficient or conflicting evidence, the clinical significance of this alteration remains unclear.

Labcorp Genetics (formerly Invitae), Labcorp
Classification: Uncertain significance. Last evaluated: 2024-04-29. Review status: criteria provided, single submitter. Criteria: Invitae Variant Classification Sherloc (09022015). Collection method: clinical testing. Allele origin: germline.
Comment: This sequence change replaces proline, which is neutral and non-polar, with serine, which is neutral and polar, at codon 4456 of the LRP2 protein (p.Pro4456Ser). This variant is present in population databases (rs772901117, gnomAD 0.006%). This variant has not been reported in the literature in individuals affected with LRP2-related conditions. ClinVar contains an entry for this variant (Variation ID: 1479748). Advanced modeling of protein sequence and biophysical properties (such as structural, functional, and spatial information, amino acid conservation, physicochemical variation, residue mobility, and thermodynamic stability) performed at Invitae indicates that this missense variant is not expected to disrupt LRP2 protein function with a negative predictive value of 95%. In summary, the available evidence is currently insufficient to determine the role of this variant in disease. Therefore, it has been classified as a Variant of Uncertain Significance.

Fulgent Genetics
Classification: Uncertain significance for Donnai-Barrow syndrome. Last evaluated: 2024-01-22. Review status: criteria provided, single submitter. Criteria: ACMG Guidelines, 2015. Collection method: clinical testing. Allele origin: germline.

Blueprint Genetics
Classification: Uncertain significance. Last evaluated: 2021-11-04. Review status: criteria provided, single submitter. Criteria: ACMG Guidelines, 2015. Collection method: clinical testing. Allele origin: germline.

NM_004525.3(LRP2):c.13366C>T (p.Pro4456Ser)

Gene: LRP2 (LDL receptor related protein 2; minus strand). Cytogenetic location: 2q31.1.
Variant type: single nucleotide variant.
Coding change: c.13366C>T on transcript NM_004525.3 (MANE Select); coding-DNA position 13366, C replaced by T.
Protein change: p.Pro4456Ser; replaces proline 4456 with serine.
Molecular consequence: missense variant.
Genome position (GRCh38, 1-based): chr2:169,139,273, G>A on the plus strand (C>T on the coding strand, the complement: LRP2 is on the minus strand). VCF-style: chr2-169139273-G-A. GRCh37 (hg19) VCF-style: chr2-169995783-G-A.
Other names: c.13366C>T (NM_004525.2); short protein forms P4456S.
Identifiers: ClinVar variation 1479748 (VCV001479748.8), dbSNP rs772901117, ClinGen allele CA1952563.